The following is an entry in ClinVar:

ClinVar aggregate classification (germline): Uncertain significance. Review status: criteria provided, multiple submitters, no conflicts (2 of 4 stars). 3 submissions from 3 submitters: Uncertain significance (3). Last evaluated 2025-08-27.

Conditions:
Inborn genetic diseases. Identifiers: MedGen C0950123, MeSH D030342.
Combined immunodeficiency due to LRBA deficiency. Also called: Common variable immunodeficiency 8, with autoimmunity. Identifiers: Orphanet 445018, MedGen C3553512, MONDO:0013863, OMIM 614700.

Allele frequency attached by ClinVar (database versions not stated): gnomAD 0.00001; TOPMed 0.00001; gnomAD exomes 0.00002 and 0.00009.
gnomAD v4.1: 120 of 1,596,622 alleles (0.0075%); highest among the groups gnomAD compares: Non-Finnish European, 0.01%; no homozygotes.

Submissions (3):

Ambry Genetics
Classification: Uncertain significance for Inborn genetic diseases. Last evaluated: 2025-08-27. Review status: criteria provided, single submitter. Criteria: Ambry Variant Classification Scheme 2023. Collection method: clinical testing. Allele origin: germline.

Labcorp Genetics (formerly Invitae), Labcorp
Classification: Uncertain significance for Combined immunodeficiency due to LRBA deficiency. Last evaluated: 2024-09-16. Review status: criteria provided, single submitter. Criteria: Invitae Variant Classification Sherloc (09022015). Collection method: clinical testing. Allele origin: germline.
Comment: This sequence change replaces valine, which is neutral and non-polar, with alanine, which is neutral and non-polar, at codon 2633 of the LRBA protein (p.Val2633Ala). This variant is present in population databases (rs541116943, gnomAD 0.005%). This variant has not been reported in the literature in individuals affected with LRBA-related conditions. ClinVar contains an entry for this variant (Variation ID: 618201). Invitae Evidence Modeling of protein sequence and biophysical properties (such as structural, functional, and spatial information, amino acid conservation, physicochemical variation, residue mobility, and thermodynamic stability) has been performed for this missense variant. However, the output from this modeling did not meet the statistical confidence thresholds required to predict the impact of this variant on LRBA protein function. In summary, the available evidence is currently insufficient to determine the role of this variant in disease. Therefore, it has been classified as a Variant of Uncertain Significance.

ARUP Laboratories, Molecular Genetics and Genomics, ARUP Laboratories
Classification: Uncertain significance. Last evaluated: 2017-10-31. Review status: criteria provided, single submitter. Criteria: ARUP Molecular Germline Variant Investigation Process. Collection method: clinical testing. Allele origin: germline.
Comment: The p.Val2633Ala variant (rs541116943) has not been reported in the medical literature, gene specific variation databases, nor has it been previously identified by our laboratory. This variant is listed in the genome Aggregation Database (gnomAD) with an overall population frequency of 0.002 percent (identified on 6 out of 265,902 chromosomes). The valine at position 2633 is moderately conserved (considering 13 species, Alamut v.2.10.0) and computational analyses of the effects of the LRBA variant on protein structure and function provide conflicting results (SIFT: tolerated, MutationTaster: disease causing, PolyPhen-2: benign). Altogether, there is not enough evidence to classify the p.Val2633Ala variant with certainty.

NM_001364905.1(LRBA):c.7865T>C (p.Val2622Ala)

Gene: LRBA (LPS responsive beige-like anchor protein; minus strand). Cytogenetic location: 4q31.3.
Variant type: single nucleotide variant.
Coding change: c.7865T>C on transcript NM_001364905.1 (MANE Select); coding-DNA position 7865, T replaced by C.
Protein change: p.Val2622Ala; replaces valine 2622 with alanine.
Molecular consequence: missense variant.
Genome position (GRCh38, 1-based): chr4:150,302,777, A>G on the plus strand (T>C on the coding strand, the complement: LRBA is on the minus strand). VCF-style: chr4-150302777-A-G. GRCh37 (hg19) VCF-style: chr4-151223929-A-G.
Other names: c.7865T>C, p.Val2622Ala (NM_001199282.3); c.7880T>C, p.Val2627Ala (NM_001367550.1); c.7898T>C, p.Val2633Ala (NM_006726.5); short protein forms V2622A, V2633A, V2627A.
Identifiers: ClinVar variation 618201 (VCV000618201.17), dbSNP rs541116943, ClinGen allele CA108318836.